The following is an entry in ClinVar:

NM_001244008.2(KIF1A):c.5046C>A (p.Tyr1682Ter)

Gene: KIF1A (kinesin family member 1A; minus strand). Cytogenetic location: 2q37.3.
Variant type: single nucleotide variant.
Coding change: c.5046C>A on transcript NM_001244008.2 (MANE Select); coding-DNA position 5046, C replaced by A.
Protein change: p.Tyr1682Ter; replaces tyrosine 1682 with a stop codon.
Molecular consequence: nonsense.
Genome position (GRCh38, 1-based): chr2:240,719,174, G>T on the plus strand (C>A on the coding strand, the complement: KIF1A is on the minus strand). VCF-style: chr2-240719174-G-T. GRCh37 (hg19) VCF-style: chr2-241658591-G-T.
Other names: c.4770C>A, p.Tyr1590Ter (NM_001320705.2, NM_001379649.1); c.4797C>A, p.Tyr1599Ter (NM_001330289.2); c.4845C>A, p.Tyr1615Ter (NM_001330290.2, NM_001379648.1); c.5121C>A, p.Tyr1707Ter (NM_001379631.1); c.5022C>A, p.Tyr1674Ter (NM_001379632.1); c.5019C>A, p.Tyr1673Ter (NM_001379633.1, NM_001379645.1); c.4872C>A, p.Tyr1624Ter (NM_001379634.1); c.4869C>A, p.Tyr1623Ter (NM_001379635.1, NM_001379646.1); and 7 more; short protein forms Y1580*, Y1581*, Y1589*, Y1590*, Y1598*, Y1599*, Y1606*, Y1615*.
Identifiers: ClinVar variation 1305326 (VCV001305326.2), dbSNP rs763144444, ClinGen allele CA351298893.

ClinVar aggregate classification (germline): Uncertain significance (1 of 4 stars; one submission).

Submission:

GeneDx
Classification: Uncertain significance. Last evaluated: 2019-04-19. Review status: criteria provided, single submitter. Criteria: GeneDx Variant Classification Process June 2021. Collection method: clinical testing. Allele origin: germline. Affected: yes.
Comment: Not observed in large population cohorts (Lek et al., 2016); Nonsense variant predicted to result in nonsense mediated decay in a gene for which loss-of-function is not a known mechanism of disease; Has not been previously published as pathogenic or benign to our knowledge